The following is an entry in ClinVar:

NM_000170.3(GLDC):c.2097C>G (p.Tyr699Ter)

Gene: GLDC (glycine decarboxylase; minus strand). Cytogenetic location: 9p24.1.
Variant type: single nucleotide variant.
Coding change: c.2097C>G on transcript NM_000170.3 (MANE Select); coding-DNA position 2097, C replaced by G.
Protein change: p.Tyr699Ter; replaces tyrosine 699 with a stop codon.
Molecular consequence: nonsense.
Genome position (GRCh38, 1-based): chr9:6,556,258, G>C on the plus strand (C>G on the coding strand, the complement: GLDC is on the minus strand). VCF-style: chr9-6556258-G-C. GRCh37 (hg19) VCF-style: chr9-6556258-G-C.
Other names: short protein forms Y699*.
Identifiers: ClinVar variation 983835 (VCV000983835.3), dbSNP rs149694787, ClinGen allele CA4980391.

ClinVar aggregate classification (germline): Likely pathogenic (1 of 4 stars; one submission).

Conditions:
Glycine encephalopathy. Also called: Non-ketotic hyperglycinemia; Nonketotic hyperglycinemia. Identifiers: Orphanet 407, MedGen C0751748, MONDO:0011612, HP:0008288.

Submission:

Myriad Genetics, Inc.
Classification: Likely pathogenic for Glycine encephalopathy 1. Last evaluated: 2019-10-01. Review status: criteria provided, single submitter. Criteria: Myriad Women's Health Autosomal Recessive and X-Linked Classification Criteria (2019). Collection method: clinical testing. Allele origin: unknown.
Comment: NM_000170.2(GLDC):c.2097C>G(Y699*) is expected to be pathogenic in the context of GLDC-related glycine encephalopathy. This variant is predicted to lead to an abnormal or absent protein product due to the creation of a premature termination codon in GLDC, a gene where loss-of-function variants are known to be pathogenic. Please note: this variant was assessed in the context of healthy population screening.